The following is an entry in ClinVar:

NM_000535.7(PMS2):c.2390T>C (p.Met797Thr)

Gene: PMS2 (PMS1 homolog 2, mismatch repair system component; minus strand). Cytogenetic location: 7p22.1.
Variant type: single nucleotide variant.
Coding change: c.2390T>C on transcript NM_000535.7 (MANE Select); coding-DNA position 2390, T replaced by C.
Protein change: p.Met797Thr; replaces methionine 797 with threonine.
Molecular consequence: missense variant. On other transcripts: non-coding transcript variant (1).
Genome position (GRCh38, 1-based): chr7:5,977,643, A>G on the plus strand (T>C on the coding strand, the complement: PMS2 is on the minus strand). VCF-style: chr7-5977643-A-G. GRCh37 (hg19) VCF-style: chr7-6017274-A-G.
Other names: c.1985T>C, p.Met662Thr (NM_001322003.2, NM_001322004.2, NM_001322005.2); c.2234T>C, p.Met745Thr (NM_001322006.2); c.2072T>C, p.Met691Thr (NM_001322007.2, NM_001322008.2); c.2018T>C, p.Met673Thr (NM_001322009.2); c.1829T>C, p.Met610Thr (NM_001322010.2); c.1457T>C, p.Met486Thr (NM_001322011.2, NM_001322012.2); c.1817T>C, p.Met606Thr (NM_001322013.2); c.2423T>C, p.Met808Thr (NM_001322014.2); and 1 more; short protein forms M797T, M486T, M673T, M694T, M606T, M662T, M691T, M745T.
Identifiers: ClinVar variation 418826 (VCV000418826.18), dbSNP rs267608152, ClinGen allele CA16618487.

ClinVar aggregate classification (germline): Uncertain significance. Review status: criteria provided, multiple submitters, no conflicts (2 of 4 stars). 4 submissions from 4 submitters: Uncertain significance (4). Last evaluated 2025-08-08.

Conditions:
Hereditary nonpolyposis colorectal neoplasms. Identifiers: MedGen C0009405, MeSH D003123.
Hereditary cancer-predisposing syndrome. Also called: Hereditary neoplastic syndrome; Tumor predisposition; Neoplastic Syndromes, Hereditary; Hereditary Cancer Syndrome. Identifiers: Orphanet 140162, MedGen C0027672, MeSH D009386, MONDO:0015356.

Submissions (4):

Ambry Genetics
Classification: Uncertain significance for Hereditary cancer-predisposing syndrome. Last evaluated: 2025-08-08. Review status: criteria provided, single submitter. Criteria: Ambry Variant Classification Scheme 2023. Collection method: clinical testing. Allele origin: germline.
Comment: The p.M797T variant (also known as c.2390T>C), located in coding exon 14 of the PMS2 gene, results from a T to C substitution at nucleotide position 2390. The methionine at codon 797 is replaced by threonine, an amino acid with similar properties. This amino acid position is highly conserved in available vertebrate species. In addition, this alteration is predicted to be deleterious by in silico analysis. Since supporting evidence is limited at this time, the clinical significance of this alteration remains unclear.

Color Diagnostics, LLC DBA Color Health
Classification: Uncertain significance for Hereditary cancer-predisposing syndrome. Last evaluated: 2025-04-07. Review status: criteria provided, single submitter. Criteria: ACMG Guidelines, 2015. Collection method: clinical testing. Allele origin: germline.
Comment: This missense variant replaces methionine with threonine at codon 797 of the PMS2 protein. Computational prediction suggests that this variant may have deleterious impact on protein structure and function. To our knowledge, functional studies have not been reported for this variant. This variant has not been reported in individuals affected with PMS2-related disorders in the literature. This variant has not been identified in the general population by the Genome Aggregation Database (gnomAD). The available evidence is insufficient to determine the role of this variant in disease conclusively. Therefore, this variant is classified as a Variant of Uncertain Significance.

Labcorp Genetics (formerly Invitae), Labcorp
Classification: Uncertain significance for Hereditary nonpolyposis colorectal neoplasms. Last evaluated: 2023-07-09. Review status: criteria provided, single submitter. Criteria: Invitae Variant Classification Sherloc (09022015). Collection method: clinical testing. Allele origin: germline.
Comment: In summary, the available evidence is currently insufficient to determine the role of this variant in disease. Therefore, it has been classified as a Variant of Uncertain Significance. Advanced modeling of protein sequence and biophysical properties (such as structural, functional, and spatial information, amino acid conservation, physicochemical variation, residue mobility, and thermodynamic stability) performed at Invitae indicates that this missense variant is expected to disrupt PMS2 protein function. This sequence change replaces methionine, which is neutral and non-polar, with threonine, which is neutral and polar, at codon 797 of the PMS2 protein (p.Met797Thr). The frequency data for this variant in the population databases (gnomAD) is considered unreliable due to the presence of homologous sequence, such as pseudogenes or paralogs, in the genome. This variant has not been reported in the literature in individuals affected with PMS2-related conditions. ClinVar contains an entry for this variant (Variation ID: 418826).

GeneDx
Classification: Uncertain significance. Last evaluated: 2020-02-25. Review status: criteria provided, single submitter. Criteria: GeneDx Variant Classification Process June 2021. Collection method: clinical testing. Allele origin: germline. Affected: yes.
Comment: Not observed in large population cohorts (Lek 2016); In silico analysis supports that this missense variant has a deleterious effect on protein structure/function; Has not been previously published as pathogenic or benign to our knowledge